The following is an entry in ClinVar:

ClinVar aggregate classification (germline): Pathogenic. Review status: criteria provided, multiple submitters, no conflicts (2 of 4 stars). 2 submissions from 2 submitters: Pathogenic (2). Last evaluated 2022-04-19.

Conditions:
Hereditary breast ovarian cancer syndrome. Also called: Hereditary breast and ovarian cancer; Breast and ovarian cancer; BRCA1- and BRCA2-Associated Hereditary Breast and Ovarian Cancer; Hereditary breast and/or ovarian cancer syndrome; Hereditary breast and ovarian cancer syndrome; Hereditary breast and ovarian cancer syndrome (HBOC). Identifiers: Orphanet 145, MedGen C0677776, MeSH D061325, MONDO:0003582. Disease mechanism: loss of function.
Hereditary cancer-predisposing syndrome. Also called: Neoplastic Syndromes, Hereditary; Hereditary Cancer Syndrome; Hereditary neoplastic syndrome; Tumor predisposition. Identifiers: Orphanet 140162, MedGen C0027672, MeSH D009386, MONDO:0015356.

Submissions (2):

Ambry Genetics
Classification: Pathogenic for Hereditary cancer-predisposing syndrome. Last evaluated: 2022-04-19. Review status: criteria provided, single submitter. Criteria: Ambry Variant Classification Scheme 2023. Collection method: clinical testing. Allele origin: germline.
Comment: The c.4943delC pathogenic mutation, located in coding exon 10 of the BRCA2 gene, results from a deletion of one nucleotide at nucleotide position 4943, causing a translational frameshift with a predicted alternate stop codon (p.A1648Efs*22). This variant was observed in an individual with early onset-breast cancer amongst a cohort of 1781 non-Ashkenazi Jewish individuals undergoing BRCA1/2 gene testing based on a personal history of breast cancer (Tung N et al. Cancer, 2015 Jan;121:25-33). In addition to the clinical data presented in the literature, this alteration is expected to result in loss of function by premature protein truncation or nonsense-mediated mRNA decay. As such, this alteration is interpreted as a disease-causing mutation.

Labcorp Genetics (formerly Invitae), Labcorp
Classification: Pathogenic for Hereditary breast ovarian cancer syndrome. Last evaluated: 2021-11-12. Review status: criteria provided, single submitter. Criteria: Invitae Variant Classification Sherloc (09022015). Collection method: clinical testing. Allele origin: germline.
Comment: ClinVar contains an entry for this variant (Variation ID: 1240306). For these reasons, this variant has been classified as Pathogenic. This sequence change creates a premature translational stop signal (p.Ala1648Glufs*22) in the BRCA2 gene. It is expected to result in an absent or disrupted protein product. Loss-of-function variants in BRCA2 are known to be pathogenic (PMID: 20104584). This variant is not present in population databases (gnomAD no frequency). This premature translational stop signal has been observed in individual(s) with breast cancer (PMID: 25186627).

Literature cited by the submitters: PubMed 25186627 (cited by Ambry Genetics and Labcorp Genetics (formerly Invitae), Labcorp); PubMed 20104584 (cited by Labcorp Genetics (formerly Invitae), Labcorp).

NM_000059.4(BRCA2):c.4943del (p.Ala1648fs)

Gene: BRCA2 (BRCA2 DNA repair associated; plus strand). Cytogenetic location: 13q13.1.
Variant type: Deletion.
Coding change: c.4943del on transcript NM_000059.4 (MANE Select); coding-DNA position 4943, one base deleted (C; older notation c.4943delC).
Protein change: p.Ala1648fs; shifts the reading frame from alanine 1648.
Molecular consequence: frameshift variant.
Genome position (GRCh38, 1-based): chr13:32,339,298, C deleted. VCF-style (leftmost placement, unchanged base first): chr13-32339297-GC-G. GRCh37 (hg19) VCF-style: chr13-32913434-GC-G.
Other names: short protein forms A1648fs.
Identifiers: ClinVar variation 1458405 (VCV001458405.8), dbSNP rs2137511937, ClinGen allele CA2499222182.
Genomic context (GRCh38, chr13:32,339,297, plus strand): 5'-AAAACATCAAAAAGTATCTTTTTGAAAGTTAAAGTACATGAAAATGTAGAAAAAGAAACA[GC>G]AAAAAGTCCTGCAACTTGTTACACAAATCAGTCCCCTTATTCAGTCATTGAAAATTCAGC-3'